The following is an entry in ClinVar:

NM_002354.3(EPCAM):c.*136C>G

Gene: EPCAM (epithelial cell adhesion molecule; plus strand). Cytogenetic location: 2p21.
Variant type: single nucleotide variant.
Coding change: c.*136C>G on transcript NM_002354.3 (MANE Select); 136 bases downstream of the stop codon, C replaced by G.
Molecular consequence: 3 prime UTR variant.
Genome position (GRCh38, 1-based): chr2:47,386,749, C>G. VCF-style: chr2-47386749-C-G. GRCh37 (hg19) VCF-style: chr2-47613888-C-G.
Identifiers: ClinVar variation 4688244 (VCV004688244.1).

ClinVar aggregate classification (germline): Uncertain significance (1 of 4 stars; one submission).

gnomAD v4.1: 2 of 675,004 alleles (0.0003%); highest among the groups gnomAD compares: East Asian, 0.0053%; no homozygotes.

Submission:

Women's Health and Genetics/Laboratory Corporation of America, LabCorp
Classification: Uncertain significance. Last evaluated: 2025-12-17. Review status: criteria provided, single submitter. Criteria: LabCorp Variant Classification Summary - May 2015. Collection method: clinical testing. Allele origin: germline.
Comment: Variant summary: EPCAM c.*136C>G is located in the untranslated mRNA region downstream of the termination codon. The variant allele was found at a frequency of 3e-06 in 671560 control chromosomes (gnomAD v4.1). The available data on variant occurrences in the general population are insufficient to allow any conclusion about variant significance. To our knowledge, no occurrence of c.*136C>G in individuals affected with EPCAM-related conditions and no experimental evidence demonstrating its impact on protein function have been reported. No submitters have cited clinical-significance assessments for this variant to ClinVar. Based on the evidence outlined above, the variant was classified as uncertain significance.